The following is an entry in ClinVar:

NM_002796.3(PSMB4):c.577-32_577-9del

Gene: PSMB4 (proteasome 20S subunit beta 4; plus strand). Cytogenetic location: 1q21.3.
Variant type: Deletion.
Coding change: c.577-32_577-9del on transcript NM_002796.3 (MANE Select); 32 bases into the intron before coding-DNA position 577 through 9 bases into the intron before coding-DNA position 577, 24 bases deleted (ATCCCCCCATGGTTTTCCCCCAAT).
Molecular consequence: intron variant.
Genome position (GRCh38, 1-based): chr1:151,401,207-151,401,230, ATCCCCCCATGGTTTTCCCCCAAT deleted; deleting any 24 consecutive bases within chr1:151,401,201-151,401,230 gives the same sequence; the c. name uses the placement nearest the transcript's 3' end. VCF-style (leftmost placement, unchanged base first): chr1-151401200-GCCCAATATCCCCCCATGGTTTTCC-G. GRCh37 (hg19) VCF-style: chr1-151373676-GCCCAATATCCCCCCATGGTTTTCC-G.
Identifiers: ClinVar variation 4734514 (VCV004734514.1).
Genomic context (GRCh38, chr1:151,401,200, plus strand): 5'-GTCATCTTTCACTCTAATGCTTTTTATACCATAGATTTGAGACAACTAGCCTGTTATTCA[GCCCAATATCCCCCCATGGTTTTCC>G]CCCAATCTCCCTAGCCTCTGCTGCGAGAAGTTCTGGAGAAGCAGCCAGTGCTAAGCCAGA-3'

ClinVar aggregate classification (germline): Uncertain significance (1 of 4 stars; one submission).

Submission:

Labcorp Genetics (formerly Invitae), Labcorp
Classification: Uncertain significance. Last evaluated: 2025-12-31. Review status: criteria provided, single submitter. Criteria: Invitae Variant Classification Sherloc (09022015). Collection method: clinical testing. Allele origin: germline.
Comment: This sequence change falls in intron 4 of the PSMB4 gene. It does not directly change the encoded amino acid sequence of the PSMB4 protein. This variant is not present in population databases (gnomAD no frequency). This variant has not been reported in the literature in individuals affected with PSMB4-related conditions. Experimental studies and prediction algorithms are not available or were not evaluated, and the effect of this variant on mRNA splicing is currently unknown. In summary, the available evidence is currently insufficient to determine the role of this variant in disease. Therefore, it has been classified as a Variant of Uncertain Significance.